The following is an entry in ClinVar:

NM_001983.4(ERCC1):c.619C>T (p.Arg207Trp)

Gene: ERCC1 (ERCC excision repair 1, endonuclease non-catalytic subunit; minus strand). Cytogenetic location: 19q13.32.
Variant type: single nucleotide variant.
Coding change: c.619C>T on transcript NM_001983.4 (MANE Select); coding-DNA position 619, C replaced by T.
Protein change: p.Arg207Trp; replaces arginine 207 with tryptophan.
Molecular consequence: missense variant.
Genome position (GRCh38, 1-based): chr19:45,414,944, G>A on the plus strand (C>T on the coding strand, the complement: ERCC1 is on the minus strand). VCF-style: chr19-45414944-G-A. GRCh37 (hg19) VCF-style: chr19-45918202-G-A.
Other names: c.619C>T, p.Arg207Trp (NM_001166049.2, NM_001369408.1, NM_001369409.1 and 11 more transcripts); c.619C>T (NM_202001.2); short protein forms R207W.
Identifiers: ClinVar variation 2180112 (VCV002180112.2), dbSNP rs764503289, ClinGen allele CA9515352.
Genomic context (GRCh38, chr19:45,414,944, plus strand): 5'-GCTTCTCCATCAGGAGGTCCGCTGGTTTCTGCTCATAGGCCTTGTAGGTCTCCAGGTACC[G>A]CCCAGCTTCCTCGGGGCTGGGATAACAGGATACAGGGCAGCCGGGAGGTGAGGTATCAGA-3'
Protein context (NP_001974.1, residues 197-217): ILAWSPEEAG[Arg207Trp]YLETYKAYEQ

ClinVar aggregate classification (germline): Uncertain significance. Review status: criteria provided, multiple submitters, no conflicts (2 of 4 stars). 2 submissions from 2 submitters: Uncertain significance (2). Last evaluated 2022-11-30.

Allele frequency attached by ClinVar (database versions not stated): gnomAD exomes below 0.00001; TOPMed below 0.00001; ExAC 0.00001; gnomAD 0.00001.
gnomAD v4.1: 6 of 1,613,326 alleles (0.00037%); highest among the groups gnomAD compares: Middle Eastern, 0.017%; no homozygotes.

Submissions (2):

GeneDx
Classification: Uncertain significance. Last evaluated: 2022-11-30. Review status: criteria provided, single submitter. Criteria: GeneDx Variant Classification Process June 2021. Collection method: clinical testing. Allele origin: germline. Affected: yes.
Comment: Not observed at significant frequency in large population cohorts (gnomAD); In silico analysis supports that this missense variant has a deleterious effect on protein structure/function; Has not been previously published as pathogenic or benign to our knowledge

Labcorp Genetics (formerly Invitae), Labcorp
Classification: Uncertain significance. Last evaluated: 2022-03-29. Review status: criteria provided, single submitter. Criteria: Invitae Variant Classification Sherloc (09022015). Collection method: clinical testing. Allele origin: germline.
Comment: This sequence change replaces arginine, which is basic and polar, with tryptophan, which is neutral and slightly polar, at codon 207 of the ERCC1 protein (p.Arg207Trp). This variant is present in population databases (rs764503289, gnomAD 0.003%). This variant has not been reported in the literature in individuals affected with ERCC1-related conditions. Algorithms developed to predict the effect of missense changes on protein structure and function are either unavailable or do not agree on the potential impact of this missense change (SIFT: "Deleterious"; PolyPhen-2: "Probably Damaging"; Align-GVGD: "Class C0"). In summary, the available evidence is currently insufficient to determine the role of this variant in disease. Therefore, it has been classified as a Variant of Uncertain Significance.